The following is an entry in ClinVar:

ClinVar aggregate classification (germline): Conflicting classifications of pathogenicity. Review status: criteria provided, conflicting classifications (1 of 4 stars). 2 submissions from 2 submitters: Likely pathogenic (1); Uncertain significance (1). Last evaluated 2026-03-31.

Conditions:
COL4A5-related disorders.
X-linked Alport syndrome (ATS1). Also called: NEPHROPATHY AND DEAFNESS, X-LINKED; COL4A5-Related Nephropathy. Identifiers: Orphanet 63, Orphanet 88917, MedGen C4746986, MONDO:0010520, OMIM 301050.

Submissions (2):

MVZ Medizinische Genetik Mainz
Classification: Uncertain significance for X-linked Alport syndrome. Last evaluated: 2026-03-31. Review status: criteria provided, single submitter. Criteria: UK Practice Guidelines For Variant Classification V4 01 2020. Collection method: clinical testing. Allele origin: germline. Inheritance: X-linked dominant inheritance. Affected: yes. Observed: 1 variant allele.
Comment: ACMG Criteria: PS1_SUP,PM2_SUP,PP3,PP4

Blueprint Genetics
Classification: Likely pathogenic for COL4A5-related disorders. Last evaluated: 2022-11-10. Review status: criteria provided, single submitter. Criteria: ACMG Guidelines, 2015. Collection method: clinical testing. Allele origin: germline. Affected: yes. Observed: 3 variant alleles.

NM_033380.3(COL4A5):c.688-5A>G

Gene: COL4A5 (collagen type IV alpha 5 chain; plus strand). Cytogenetic location: Xq22.3.
Variant type: single nucleotide variant.
Coding change: c.688-5A>G on transcript NM_033380.3 (MANE Select); 5 bases into the intron before coding-DNA position 688, A replaced by G.
Molecular consequence: intron variant.
Genome position (GRCh38, 1-based): chrX:108,578,286, A>G. VCF-style: chrX-108578286-A-G. GRCh37 (hg19) VCF-style: chrX-107821516-A-G.
Other names: c.688-5A>G (NM_000495.5).
Identifiers: ClinVar variation 4849205 (VCV004849205.2).